The following is an entry in ClinVar:

NM_005121.3(MED13):c.4902G>A (p.Thr1634=)

Gene: MED13 (mediator complex subunit 13; minus strand). Cytogenetic location: 17q23.2.
Variant type: single nucleotide variant.
Coding change: c.4902G>A on transcript NM_005121.3 (MANE Select); coding-DNA position 4902, G replaced by A.
Protein change: p.Thr1634=; no amino-acid change (threonine 1634 retained).
Molecular consequence: synonymous variant.
Genome position (GRCh38, 1-based): chr17:61,962,914, C>T on the plus strand (G>A on the coding strand, the complement: MED13 is on the minus strand). VCF-style: chr17-61962914-C-T. GRCh37 (hg19) VCF-style: chr17-60040275-C-T.
Identifiers: ClinVar variation 775329 (VCV000775329.36), dbSNP rs200032107, ClinGen allele CA8692304.

ClinVar aggregate classification (germline): Benign/Likely benign. Review status: criteria provided, multiple submitters, no conflicts (2 of 4 stars). 5 submissions from 5 submitters: Benign (2); Likely benign (2). 1 of the submissions does not count toward it. Last evaluated 2026-08-01.

Conditions:
MED13-related disorder. Also called: MED13-related condition.

Allele frequency attached by ClinVar (database versions not stated): ESP Exome Variant Server 0.00033; gnomAD 0.00048 and 0.00069; TOPMed 0.00071; gnomAD exomes 0.00107 and 0.00170; 1000 Genomes Project 0.00120; 1000 Genomes Project 30x 0.00125; ExAC 0.00170.
gnomAD v4.1: 1,697 of 1,614,038 alleles (0.11%); highest among the groups gnomAD compares: Middle Eastern, 1.2%; 8 homozygotes.

Submissions (5):

CeGaT Center for Human Genetics Tuebingen
Classification: Likely benign. Last evaluated: 2026-08-01. Review status: criteria provided, single submitter. Criteria: CeGaT Center For Human Genetics Tuebingen Variant Classification Criteria Version 2. Collection method: clinical testing. Allele origin: germline. Affected: yes. Observed: 13 variant alleles.
Comment: MED13: BP4, BP7

Blueprint Genetics
Classification: Likely benign. Last evaluated: 2024-11-07. Review status: criteria provided, single submitter. Criteria: ACMG Guidelines, 2015. Collection method: clinical testing. Allele origin: germline.

Labcorp Genetics (formerly Invitae), Labcorp
Classification: Benign. Last evaluated: 2018-04-24. Review status: criteria provided, single submitter. Criteria: Invitae Variant Classification Sherloc (09022015). Collection method: clinical testing. Allele origin: germline.

Breakthrough Genomics
Classification: Benign. Review status: criteria provided, single submitter. Criteria: ACMG Guidelines, 2015. Collection method: not provided. Allele origin: germline. Inheritance: Autosomal dominant inheritance. Affected: yes.

PreventionGenetics, part of Exact Sciences
Classification: Benign for MED13-related condition. Last evaluated: 2020-09-23. Review status: no assertion criteria provided. Collection method: clinical testing. Allele origin: germline. Not counted in ClinVar's aggregate classification.
Comment: This variant is classified as benign based on ACMG/AMP sequence variant interpretation guidelines (Richards et al. 2015 PMID: 25741868, with internal and published modifications).